The following is an entry in ClinVar:

ClinVar aggregate classification (germline): Uncertain significance (1 of 4 stars; one submission).

Conditions:
Hereditary breast ovarian cancer syndrome. Also called: Hereditary breast and ovarian cancer syndrome; Hereditary breast and ovarian cancer; BRCA1- and BRCA2-Associated Hereditary Breast and Ovarian Cancer; Hereditary breast and/or ovarian cancer syndrome; Breast and ovarian cancer; Hereditary breast and ovarian cancer syndrome (HBOC). Identifiers: Orphanet 145, MedGen C0677776, MeSH D061325, MONDO:0003582. Disease mechanism: loss of function.

Submission:

Labcorp Genetics (formerly Invitae), Labcorp
Classification: Uncertain significance for Hereditary breast ovarian cancer syndrome. Last evaluated: 2023-06-09. Review status: criteria provided, single submitter. Criteria: Invitae Variant Classification Sherloc (09022015). Collection method: clinical testing. Allele origin: germline.
Comment: In summary, the available evidence is currently insufficient to determine the role of this variant in disease. Therefore, it has been classified as a Variant of Uncertain Significance. Advanced modeling of protein sequence and biophysical properties (such as structural, functional, and spatial information, amino acid conservation, physicochemical variation, residue mobility, and thermodynamic stability) performed at Invitae indicates that this missense variant is not expected to disrupt BRCA1 protein function. This variant has not been reported in the literature in individuals affected with BRCA1-related conditions. This variant is not present in population databases (gnomAD no frequency). This sequence change replaces serine, which is neutral and polar, with alanine, which is neutral and non-polar, at codon 1212 of the BRCA1 protein (p.Ser1212Ala).

NM_007294.4(BRCA1):c.3634T>G (p.Ser1212Ala)

Genes: BRCA1 (BRCA1 DNA repair associated; minus strand), LOC126862571 (BRD4-independent group 4 enhancer GRCh37_chr17:41243136-41244335; plus strand). Cytogenetic location: 17q21.31.
Variant type: single nucleotide variant.
Coding change: c.3634T>G on transcript NM_007294.4 (MANE Select); coding-DNA position 3634, T replaced by G.
Protein change: p.Ser1212Ala; replaces serine 1212 with alanine.
Molecular consequence: missense variant. On other transcripts: intron variant (135).
Genome position (GRCh38, 1-based): chr17:43,091,897, A>C on the plus strand (T>G on the coding strand, the complement: BRCA1 is on the minus strand). VCF-style: chr17-43091897-A-C. GRCh37 (hg19) VCF-style: chr17-41243914-A-C.
Other names: c.3421T>G, p.Ser1141Ala (NM_001407571.1, NM_001407853.1, NM_001407894.1 and 9 more transcripts); c.3634T>G, p.Ser1212Ala (NM_001407581.1, NM_001407582.1, NM_001407583.1 and 30 more transcripts); c.3631T>G, p.Ser1211Ala (NM_001407587.1, NM_001407590.1, NM_001407591.1 and 22 more transcripts); c.3625T>G, p.Ser1209Ala (NM_001407646.1, NM_001407647.1); c.3511T>G, p.Ser1171Ala (NM_001407648.1, NM_001407664.1, NM_001407665.1 and 19 more transcripts); c.3508T>G, p.Ser1170Ala (NM_001407649.1, NM_001407670.1, NM_001407671.1 and 11 more transcripts); c.3556T>G, p.Ser1186Ala (NM_001407653.1, NM_001407654.1, NM_001407655.1 and 4 more transcripts); c.3553T>G, p.Ser1185Ala (NM_001407659.1, NM_001407660.1, NM_001407661.1 and 1 more transcripts); and 41 more; short protein forms S1100A, S1141A, S1164A, S1171A, S1212A, S916A, S1085A, S1123A.
Identifiers: ClinVar variation 2871064 (VCV002871064.3), dbSNP rs1597862383, ClinGen allele CA10594699.